The following is an entry in ClinVar:

ClinVar aggregate classification (germline): Uncertain significance. Review status: criteria provided, multiple submitters, no conflicts (2 of 4 stars). 3 submissions from 3 submitters: Uncertain significance (3). Last evaluated 2026-08-03.

Conditions:
NTRK2-related disorder. Also called: NTRK2-related condition.
Inborn genetic diseases. Identifiers: MedGen C0950123, MeSH D030342.

Allele frequency attached by ClinVar (database versions not stated): gnomAD 0.00001; gnomAD exomes 0.00002; TOPMed 0.00002.
gnomAD v4.1: 34 of 1,613,904 alleles (0.0021%); highest among the groups gnomAD compares: South Asian, 0.0033%; no homozygotes.

Submissions (3):

PreventionGenetics, part of Exact Sciences
Classification: Uncertain significance for NTRK2-related condition. Last evaluated: 2026-08-03. Review status: criteria provided, single submitter. Criteria: ACMG Guidelines, 2015. Collection method: clinical testing. Allele origin: germline.
Comment: The NTRK2 c.1864G>A variant is predicted to result in the amino acid substitution p.Val622Ile. To our knowledge, this variant has not been reported in the literature. This variant is reported in 0.0062% of alleles in individuals of African descent in gnomAD. At this time, the clinical significance of this variant is uncertain due to the absence of conclusive functional and genetic evidence.

Ambry Genetics
Classification: Uncertain significance for Inborn genetic diseases. Last evaluated: 2023-03-01. Review status: criteria provided, single submitter. Criteria: Ambry Variant Classification Scheme 2023. Collection method: clinical testing. Allele origin: germline.

Labcorp Genetics (formerly Invitae), Labcorp
Classification: Uncertain significance. Last evaluated: 2022-12-10. Review status: criteria provided, single submitter. Criteria: Invitae Variant Classification Sherloc (09022015). Collection method: clinical testing. Allele origin: germline.
Comment: In summary, the available evidence is currently insufficient to determine the role of this variant in disease. Therefore, it has been classified as a Variant of Uncertain Significance. Advanced modeling of protein sequence and biophysical properties (such as structural, functional, and spatial information, amino acid conservation, physicochemical variation, residue mobility, and thermodynamic stability) performed at Invitae indicates that this missense variant is not expected to disrupt NTRK2 protein function. This variant has not been reported in the literature in individuals affected with NTRK2-related conditions. This variant is present in population databases (rs200399260, gnomAD 0.007%). This sequence change replaces valine, which is neutral and non-polar, with isoleucine, which is neutral and non-polar, at codon 622 of the NTRK2 protein (p.Val622Ile).

NM_006180.6(NTRK2):c.1864G>A (p.Val622Ile)

Gene: NTRK2 (neurotrophic receptor tyrosine kinase 2; plus strand). Cytogenetic location: 9q21.33.
Variant type: single nucleotide variant.
Coding change: c.1864G>A on transcript NM_006180.6 (MANE Select); coding-DNA position 1864, G replaced by A.
Protein change: p.Val622Ile; replaces valine 622 with isoleucine.
Molecular consequence: missense variant.
Genome position (GRCh38, 1-based): chr9:84,948,561, G>A. VCF-style: chr9-84948561-G-A. GRCh37 (hg19) VCF-style: chr9-87563476-G-A.
Other names: c.1816G>A, p.Val606Ile (NM_001018064.3, NM_001369532.1, NM_001369533.1); c.1780G>A, p.Val594Ile (NM_001369534.1); c.1348G>A, p.Val450Ile (NM_001369535.1); c.1396G>A, p.Val466Ile (NM_001369536.1); c.1864G>A, p.Val622Ile (NM_001381928.1); c.1864G>A (NM_006180.4); short protein forms V606I, V466I, V594I, V450I, V622I.
Identifiers: ClinVar variation 2473657 (VCV002473657.8), dbSNP rs200399260, ClinGen allele CA5105856.
Genomic context (GRCh38, chr9:84,948,561, plus strand): 5'-CACCGTGAGGCCGAGCTCCTGACCAACCTCCAGCATGAGCACATCGTCAAGTTCTATGGC[G>A]TCTGCGTGGAGGGCGACCCCCTCATCATGGTCTTTGAGTACATGAAGCATGGGGACCTCA-3'
Protein context (NP_006171.2, residues 612-632): QHEHIVKFYG[Val622Ile]CVEGDPLIMV